The following is an entry in ClinVar:

ClinVar aggregate classification (germline): Pathogenic (1 of 4 stars; one submission).

Conditions:
Neurofibromatosis, type 1 (NF1). Also called: Peripheral type neurofibromatosis; VON RECKLINGHAUSEN DISEASE; Neurofibromatosis, type I; NEUROFIBROMATOSIS, TYPE I, SOMATIC. Identifiers: Orphanet 636, MedGen C0027831, MONDO:0018975, OMIM 162200. Disease mechanism: loss of function.

Submission:

Labcorp Genetics (formerly Invitae), Labcorp
Classification: Pathogenic for Neurofibromatosis, type 1. Last evaluated: 2019-04-23. Review status: criteria provided, single submitter. Criteria: Invitae Variant Classification Sherloc (09022015). Collection method: clinical testing. Allele origin: germline.
Comment: For these reasons, this variant has been classified as Pathogenic. Loss-of-function variants in NF1 are known to be pathogenic (PMID: 10712197, 23913538). This variant has not been reported in the literature in individuals with NF1-related conditions. This variant is not present in population databases (ExAC no frequency). This sequence change creates a premature translational stop signal (p.Asp2012Ilefs*4) in the NF1 gene. It is expected to result in an absent or disrupted protein product.

Literature cited by the submitters: PubMed 10712197; PubMed 23913538.

NM_001042492.3(NF1):c.6096del (p.Asp2033fs)

Gene: NF1 (neurofibromin 1; plus strand). Cytogenetic location: 17q11.2.
Variant type: Deletion.
Coding change: c.6096del on transcript NM_001042492.3 (MANE Select); coding-DNA position 6096, one base deleted (A; older notation c.6096delA).
Protein change: p.Asp2033fs; shifts the reading frame from aspartic acid 2033.
Molecular consequence: frameshift variant.
Genome position (GRCh38, 1-based): chr17:31,336,422, A deleted. VCF-style (leftmost placement, unchanged base first): chr17-31336421-CA-C. GRCh37 (hg19) VCF-style: chr17-29663439-CA-C.
Other names: c.6033delA, p.Asp2012Ilefs (NM_000267.4); short protein forms D2012fs, D2033fs.
Identifiers: ClinVar variation 845972 (VCV000845972.6), dbSNP rs2069670563, ClinGen allele CA916080662.